The following is an entry in ClinVar:

NM_032119.4(ADGRV1):c.3001G>A (p.Asp1001Asn)

Gene: ADGRV1 (adhesion G protein-coupled receptor V1; plus strand). Cytogenetic location: 5q14.3.
Variant type: single nucleotide variant.
Coding change: c.3001G>A on transcript NM_032119.4 (MANE Select); coding-DNA position 3001, G replaced by A.
Protein change: p.Asp1001Asn; replaces aspartic acid 1001 with asparagine.
Molecular consequence: missense variant. On other transcripts: non-coding transcript variant (1).
Genome position (GRCh38, 1-based): chr5:90,646,070, G>A. VCF-style: chr5-90646070-G-A. GRCh37 (hg19) VCF-style: chr5-89941887-G-A.
Other names: short protein forms D1001N.
Identifiers: ClinVar variation 964543 (VCV000964543.8), dbSNP rs1203018290, ClinGen allele CA360392886.

ClinVar aggregate classification (germline): Uncertain significance. Review status: criteria provided, multiple submitters, no conflicts (2 of 4 stars). 2 submissions from 2 submitters: Uncertain significance (2). Last evaluated 2022-02-23.

Allele frequency attached by ClinVar (database versions not stated): gnomAD exomes below 0.00001; gnomAD 0.00002; TOPMed 0.00004.
gnomAD v4.1: 63 of 1,584,166 alleles (0.004%); highest among the groups gnomAD compares: Non-Finnish European, 0.0053%; no homozygotes.

Submissions (2):

Labcorp Genetics (formerly Invitae), Labcorp
Classification: Uncertain significance. Last evaluated: 2022-02-23. Review status: criteria provided, single submitter. Criteria: Invitae Variant Classification Sherloc (09022015). Collection method: clinical testing. Allele origin: germline.
Comment: This sequence change replaces aspartic acid, which is acidic and polar, with asparagine, which is neutral and polar, at codon 1001 of the ADGRV1 protein (p.Asp1001Asn). This variant is present in population databases (no rsID available, gnomAD 0.001%). This variant has not been reported in the literature in individuals affected with ADGRV1-related conditions. ClinVar contains an entry for this variant (Variation ID: 964543). Algorithms developed to predict the effect of missense changes on protein structure and function are either unavailable or do not agree on the potential impact of this missense change (SIFT: "Deleterious"; PolyPhen-2: "Probably Damaging"; Align-GVGD: "Class C0"). In summary, the available evidence is currently insufficient to determine the role of this variant in disease. Therefore, it has been classified as a Variant of Uncertain Significance.

Blueprint Genetics
Classification: Uncertain significance. Last evaluated: 2019-08-27. Review status: criteria provided, single submitter. Criteria: ACMG Guidelines, 2015. Collection method: clinical testing. Allele origin: germline.